The following is an entry in ClinVar:

ClinVar aggregate classification (germline): Pathogenic (1 of 4 stars; one submission).

Conditions:
Myofibrillar myopathy 6. Identifiers: Orphanet 199340, MedGen C2751831, MONDO:0013061, OMIM 612954.
Dilated cardiomyopathy 1HH (CMD1HH). Identifiers: Orphanet 154, MedGen C3151293, MONDO:0013479, OMIM 613881.

Submission:

Labcorp Genetics (formerly Invitae), Labcorp
Classification: Pathogenic for Dilated cardiomyopathy 1HH; Myofibrillar myopathy 6. Last evaluated: 2024-11-19. Review status: criteria provided, single submitter. Criteria: Invitae Variant Classification Sherloc (09022015). Collection method: clinical testing. Allele origin: germline.
Comment: This sequence change creates a premature translational stop signal (p.Thr34Profs*174) in the BAG3 gene. It is expected to result in an absent or disrupted protein product. Loss-of-function variants in BAG3 are known to be pathogenic (PMID: 21353195, 25008357). This variant is not present in population databases (gnomAD no frequency). This variant has not been reported in the literature in individuals affected with BAG3-related conditions. For these reasons, this variant has been classified as Pathogenic.

Literature cited by the submitters: PubMed 21353195; PubMed 25008357.

NM_004281.4(BAG3):c.100_109del (p.Thr34fs)

Gene: BAG3 (BAG cochaperone 3; plus strand). Cytogenetic location: 10q26.11.
Variant type: Deletion.
Coding change: c.100_109del on transcript NM_004281.4 (MANE Select); coding-DNA positions 100 to 109, 10 bases deleted (ACCGGCTGGC; older notation c.100_109delACCGGCTGGC).
Protein change: p.Thr34fs; shifts the reading frame from threonine 34.
Molecular consequence: frameshift variant.
Genome position (GRCh38, 1-based): chr10:119,651,775-119,651,784, ACCGGCTGGC deleted. VCF-style (leftmost placement, unchanged base first): chr10-119651774-GACCGGCTGGC-G. GRCh37 (hg19) VCF-style: chr10-121411286-GACCGGCTGGC-G.
Other names: short protein forms T34fs.
Identifiers: ClinVar variation 3755633 (VCV003755633.2).